The following is an entry in ClinVar:

ClinVar aggregate classification (germline): Uncertain significance (0 of 4 stars; one submission).

Conditions:
PMPCB-related disorder. Also called: PMPCB-related condition.

Submission:

PreventionGenetics, part of Exact Sciences
Classification: Uncertain significance for PMPCB-related condition. Last evaluated: 2024-02-14. Review status: no assertion criteria provided. Collection method: clinical testing. Allele origin: germline.
Comment: The PMPCB c.43_47dup5 variant is predicted to result in a frameshift and premature protein termination (p.Arg17Glyfs*12). To our knowledge, this variant has not been reported in the literature. This variant is reported in 0.0058% of alleles in individuals of East Asian descent in gnomAD. To our knowledge, frameshift or other loss-of-function variants have not been reported in literature. At this time, the clinical significance of this variant is uncertain due to the absence of conclusive functional and genetic evidence.

NM_004279.3(PMPCB):c.43_47dup (p.Arg17fs)

Genes: PMPCB (peptidase, mitochondrial processing subunit beta; plus strand), LOC129999056 (ATAC-STARR-seq lymphoblastoid active region 26441; plus strand). Cytogenetic location: 7q22.1.
Variant type: Microsatellite.
Coding change: c.43_47dup on transcript NM_004279.3 (MANE Select); coding-DNA positions 43 to 47, 5 bases duplicated (CGGCG; older notation c.43_47dupCGGCG).
Protein change: p.Arg17fs; shifts the reading frame from arginine 17.
Molecular consequence: frameshift variant.
Genome position (GRCh38, 1-based): chr7:103,297,502-103,297,506, CGGCG duplicated; duplicating any 5 consecutive bases within chr7:103,297,495-103,297,506 gives the same sequence; the c. name uses the placement nearest the transcript's 3' end. VCF-style (leftmost placement, unchanged base first): chr7-103297494-C-CCGCGG. GRCh37 (hg19) VCF-style: chr7-102937941-C-CCGCGG.
Other names: short protein forms R17fs.
Identifiers: ClinVar variation 3061229 (VCV003061229.2), dbSNP rs780130591, ClinGen allele CA4417789.
Genomic context (GRCh38, chr7:103,297,494, plus strand): 5'-CATCCTCTACCTTCCTTCTAGCAGAAATGGCGGCTGCGGCGGCTCGAGTGGTGTTGTCAT[C>CCGCGG]CGCGGCGCGGCGGCGGCTCTGGGGTTTCAGCGAGAGTCTTCTAATCCGAGGCGCTGCGGG-3'